The following is an entry in ClinVar:

NM_014845.6(FIG4):c.50T>C (p.Leu17Pro)

Gene: FIG4 (FIG4 phosphoinositide 5-phosphatase; plus strand). Cytogenetic location: 6q21.
Variant type: single nucleotide variant.
Coding change: c.50T>C on transcript NM_014845.6 (MANE Select); coding-DNA position 50, T replaced by C.
Protein change: p.Leu17Pro; replaces leucine 17 with proline.
Molecular consequence: missense variant.
Genome position (GRCh38, 1-based): chr6:109,691,485, T>C. VCF-style: chr6-109691485-T-C. GRCh37 (hg19) VCF-style: chr6-110012688-T-C.
Other names: short protein forms L17P.
Identifiers: ClinVar variation 156014 (VCV000156014.8), dbSNP rs587777713, ClinGen allele CA270671.
Genomic context (GRCh38, chr6:109,691,485, plus strand): 5'-TTGCCGCCGCCATGCCCACGGCCGCCGCCCCCATCATCAGCTCGGTCCAGAAGCTGGTTC[T>C]GTATGAGACTAGAGCTGTGAGTACCCCCTCGCGGCGGGGCGCAGGCGGGAGGATGGATGT-3'
Protein context (NP_055660.1, residues 7-27): PIISSVQKLV[Leu17Pro]YETRARYFLV

ClinVar aggregate classification (germline): Uncertain significance. Review status: criteria provided, single submitter (1 of 4 stars). 3 submissions from 3 submitters: Uncertain significance (1). 2 of the submissions do not count toward it. Last evaluated 2023-04-24.

Conditions:
Charcot-Marie-Tooth disease type 4. Also called: Charcot-Marie-Tooth disease, type IV; Charcot-Marie-Tooth, Type 4. Identifiers: Orphanet 64749, MedGen C4082197, MONDO:0018995.
Charcot-Marie-Tooth disease type 4J (CMT4J). Also called: CHARCOT-MARIE-TOOTH DISEASE, AUTOSOMAL RECESSIVE, TYPE 4J; CHARCOT-MARIE-TOOTH DISEASE, DEMYELINATING, TYPE 4J; Charcot-Marie-Tooth Neuropathy Type 4J. Identifiers: Orphanet 139515, MedGen C1970011, MONDO:0012640, OMIM 611228.
Yunis-Varon syndrome (YVS). Also called: Cleidocranial dysplasia, micrognathia, absent thumbs, & distal aphalangia. Identifiers: Orphanet 3472, MedGen C1857663, MONDO:0008995, OMIM 216340.

Allele frequency attached by ClinVar (database versions not stated): gnomAD 0.00002; TOPMed 0.00001.
gnomAD v4.1: 8 of 1,582,760 alleles (0.00051%); highest among the groups gnomAD compares: East Asian, 0.0023%; no homozygotes.

Submissions (3):

Labcorp Genetics (formerly Invitae), Labcorp
Classification: Uncertain significance for Charcot-Marie-Tooth disease type 4. Last evaluated: 2023-04-24. Review status: criteria provided, single submitter. Criteria: Invitae Variant Classification Sherloc (09022015). Collection method: clinical testing. Allele origin: germline.
Comment: This sequence change replaces leucine, which is neutral and non-polar, with proline, which is neutral and non-polar, at codon 17 of the FIG4 protein (p.Leu17Pro). In summary, the available evidence is currently insufficient to determine the role of this variant in disease. Therefore, it has been classified as a Variant of Uncertain Significance. An algorithm developed to predict the effect of missense changes on protein structure and function (PolyPhen-2) suggests that this variant is likely to be disruptive. ClinVar contains an entry for this variant (Variation ID: 156014). This missense change has been observed in individual(s) with Charcot-Marie-Tooth (CMT) type-4J (PMID: 21705420). This variant is present in population databases (no rsID available, gnomAD 0.007%).

Inherited Neuropathy Consortium Ii, University Of Miami
Classification: Uncertain significance for Yunis-Varon syndrome. Last evaluated: 2016-01-06. Review status: no assertion criteria provided. Collection method: literature only. Allele origin: germline. Affected: yes. Not counted in ClinVar's aggregate classification.

OMIM
Classification: Pathogenic for CHARCOT-MARIE-TOOTH DISEASE, DEMYELINATING, TYPE 4J. Last evaluated: 2011-07-01. Review status: no assertion criteria provided. Collection method: literature only. Allele origin: germline. Not counted in ClinVar's aggregate classification.

Literature cited by the submitters: PubMed 21705420 (cited by 3 submitters).